The following is an entry in ClinVar:

ClinVar aggregate classification (germline): Benign/Likely benign. Review status: criteria provided, multiple submitters, no conflicts (2 of 4 stars). 3 submissions from 3 submitters: Benign (1); Likely benign (1). 1 of the submissions does not count toward it. Last evaluated 2022-11-29.

Conditions:
MAP3K8-related disorder. Also called: MAP3K8-related condition.

Allele frequency attached by ClinVar (database versions not stated): gnomAD exomes 0.00001 and 0.00002; TOPMed 0.00001; ExAC 0.00002.
gnomAD v4.1: 8 of 1,570,634 alleles (0.00051%); highest among the groups gnomAD compares: Admixed American, 0.0068%; no homozygotes.

Submissions (3):

Labcorp Genetics (formerly Invitae), Labcorp
Classification: Likely benign. Last evaluated: 2022-11-29. Review status: criteria provided, single submitter. Criteria: Invitae Variant Classification Sherloc (09022015). Collection method: clinical testing. Allele origin: germline.

Blueprint Genetics
Classification: Benign. Last evaluated: 2021-12-17. Review status: criteria provided, single submitter. Criteria: ACMG Guidelines, 2015. Collection method: clinical testing. Allele origin: germline.

PreventionGenetics, part of Exact Sciences
Classification: Likely benign for MAP3K8-related condition. Last evaluated: 2019-09-06. Review status: no assertion criteria provided. Collection method: clinical testing. Allele origin: germline. Not counted in ClinVar's aggregate classification.
Comment: This variant is classified as likely benign based on ACMG/AMP sequence variant interpretation guidelines (Richards et al. 2015 PMID: 25741868, with internal and published modifications).

NM_005204.4(MAP3K8):c.858C>T (p.Asp286=)

Gene: MAP3K8 (mitogen-activated protein kinase kinase kinase 8; plus strand). Cytogenetic location: 10p11.23.
Variant type: single nucleotide variant.
Coding change: c.858C>T on transcript NM_005204.4 (MANE Select); coding-DNA position 858, C replaced by T.
Protein change: p.Asp286=; no amino-acid change (aspartic acid 286 retained).
Molecular consequence: synonymous variant.
Genome position (GRCh38, 1-based): chr10:30,451,729, C>T. VCF-style: chr10-30451729-C-T. GRCh37 (hg19) VCF-style: chr10-30740658-C-T.
Other names: c.858C>T, p.Asp286= (NM_001244134.1, NM_001320961.2); c.858C>T (NM_005204.3).
Identifiers: ClinVar variation 1636975 (VCV001636975.11), dbSNP rs754968500, ClinGen allele CA5459741.